The following is an entry in ClinVar:

ClinVar aggregate classification (germline): Conflicting classifications of pathogenicity. Review status: criteria provided, conflicting classifications (1 of 4 stars). 4 submissions from 4 submitters: Uncertain significance (3); Likely benign (1). Last evaluated 2025-08-27.

Conditions:
Paramyotonia congenita of Von Eulenburg. Also called: PARALYSIS PERIODICA PARAMYOTONICA; Paramyotonia Congenita; Eulenburg disease; Myotonia congenita intermittens; Von Eulenburg paramyotonia congenita. Identifiers: Orphanet 684, MedGen C0221055, MONDO:0008195, OMIM 168300. Disease mechanism: loss of function.
Hypokalemic periodic paralysis, type 1. Also called: HypoPP; Hypokalemic Periodic Paralysis Type 1 (AD). Identifiers: Orphanet 681, MedGen C3714580, MONDO:0042979, OMIM 170400.
Hypokalemic periodic paralysis, type 2 (HOKPP2). Identifiers: Orphanet 681, MedGen C2750061, MONDO:0013234, OMIM 613345.
Potassium-aggravated myotonia. Also called: MYOTONIA CONGENITA, ACETAZOLAMIDE-RESPONSIVE; MYOTONIA CONGENITA, ATYPICAL; SODIUM CHANNEL MUSCLE DISEASE; Myotonia congenita, atypical, acetazolamide-responsive. Identifiers: Orphanet 612, Orphanet 99734, Orphanet 99735, Orphanet 99736, MedGen C2931826, MONDO:0018959, OMIM 608390.
Congenital myasthenic syndrome 16. Identifiers: Orphanet 590, MedGen C3280112, MONDO:0013620, OMIM 614198.
Hyperkalemic periodic paralysis. Also called: Familial hyperkalemic periodic paralysis; Gamstorp disease. Identifiers: Orphanet 682, MedGen C0238357, MONDO:0008224, OMIM 170500, HP:0007215.
Inborn genetic diseases. Identifiers: MedGen C0950123, MeSH D030342.

Allele frequency attached by ClinVar (database versions not stated): gnomAD 0.00002; gnomAD exomes 0.00003 and 0.00007; TOPMed 0.00003.
gnomAD v4.1: 96 of 1,584,442 alleles (0.0061%); highest among the groups gnomAD compares: Admixed American, 0.011%; no homozygotes.

Submissions (4):

Labcorp Genetics (formerly Invitae), Labcorp
Classification: Uncertain significance for Hyperkalemic periodic paralysis. Last evaluated: 2025-08-27. Review status: criteria provided, single submitter. Criteria: Invitae Variant Classification Sherloc (09022015). Collection method: clinical testing. Allele origin: germline.
Comment: This sequence change replaces glycine, which is neutral and non-polar, with serine, which is neutral and polar, at codon 834 of the SCN4A protein (p.Gly834Ser). The frequency data for this variant in the population databases is considered unreliable, as metrics indicate poor data quality at this position in the gnomAD database. This variant has not been reported in the literature in individuals affected with SCN4A-related conditions. ClinVar contains an entry for this variant (Variation ID: 1484736). Invitae Evidence Modeling of protein sequence and biophysical properties (such as structural, functional, and spatial information, amino acid conservation, physicochemical variation, residue mobility, and thermodynamic stability) indicates that this missense variant is not expected to disrupt SCN4A protein function with a negative predictive value of 95%. In summary, the available evidence is currently insufficient to determine the role of this variant in disease. Therefore, it has been classified as a Variant of Uncertain Significance.

Revvity Omics, Revvity
Classification: Uncertain significance. Last evaluated: 2024-06-10. Review status: criteria provided, single submitter. Criteria: ACMG Guidelines, 2015. Collection method: clinical testing. Allele origin: germline.

Ambry Genetics
Classification: Likely benign for Inborn genetic diseases. Last evaluated: 2023-04-11. Review status: criteria provided, single submitter. Criteria: Ambry Variant Classification Scheme 2023. Collection method: clinical testing. Allele origin: germline.

Fulgent Genetics
Classification: Uncertain significance for Paramyotonia congenita of Von Eulenburg; Hypokalemic periodic paralysis, type 1; Hyperkalemic periodic paralysis; Potassium-aggravated myotonia; Hypokalemic periodic paralysis, type 2; Congenital myasthenic syndrome 16. Last evaluated: 2021-12-30. Review status: criteria provided, single submitter. Criteria: ACMG Guidelines, 2015. Collection method: clinical testing. Allele origin: unknown.

NM_000334.4(SCN4A):c.2500G>A (p.Gly834Ser)

Genes: GH-LCR (growth hormone locus control region; plus strand), SCN4A (sodium voltage-gated channel alpha subunit 4; minus strand). Cytogenetic location: 17q23.3.
Variant type: single nucleotide variant.
Coding change: c.2500G>A on transcript NM_000334.4 (MANE Select); coding-DNA position 2500, G replaced by A.
Protein change: p.Gly834Ser; replaces glycine 834 with serine.
Molecular consequence: missense variant.
Genome position (GRCh38, 1-based): chr17:63,951,777, C>T on the plus strand (G>A on the coding strand, the complement: SCN4A is on the minus strand). VCF-style: chr17-63951777-C-T. GRCh37 (hg19) VCF-style: chr17-62029137-C-T.
Other names: short protein forms G834S.
Identifiers: ClinVar variation 1484736 (VCV001484736.12), dbSNP rs899627353, ClinGen allele CA400626940.